The following is an entry in ClinVar:

NM_001904.4(CTNNB1):c.1524+3A>C

Genes: CTNNB1 (catenin beta 1; plus strand), LOC126806659 (BRD4-independent group 4 enhancer GRCh37_chr3:41274918-41276117; plus strand). Cytogenetic location: 3p22.1.
Variant type: single nucleotide variant.
Coding change: c.1524+3A>C on transcript NM_001904.4 (MANE Select); 3 bases into the intron after coding-DNA position 1524, A replaced by C.
Molecular consequence: intron variant.
Genome position (GRCh38, 1-based): chr3:41,233,870, A>C. VCF-style: chr3-41233870-A-C. GRCh37 (hg19) VCF-style: chr3-41275361-A-C.
Other names: c.1503+3A>C (NM_001330729.2); c.1524+3A>C (NM_001098209.2, NM_001098210.2).
Identifiers: ClinVar variation 2765707 (VCV002765707.3), dbSNP rs1194014864, ClinGen allele CA2697550827.
Genomic context (GRCh38, chr3:41,233,870, plus strand): 5'-TGGACTACCAGTTGTGGTTAAGCTCTTACACCCACCATCCCACTGGCCTCTGATAAAGGT[A>C]AATTGTCAAAGTAGAATTTACCTTTGTTGCAGAATTGAAAATGAAGCATCTCTAGCTGTT-3'

ClinVar aggregate classification (germline): Uncertain significance (1 of 4 stars; one submission).

Submission:

Labcorp Genetics (formerly Invitae), Labcorp
Classification: Uncertain significance. Last evaluated: 2023-06-04. Review status: criteria provided, single submitter. Criteria: Invitae Variant Classification Sherloc (09022015). Collection method: clinical testing. Allele origin: germline.
Comment: In summary, the available evidence is currently insufficient to determine the role of this variant in disease. Therefore, it has been classified as a Variant of Uncertain Significance. This sequence change falls in intron 9 of the CTNNB1 gene. It does not directly change the encoded amino acid sequence of the CTNNB1 protein. It affects a nucleotide within the consensus splice site. This variant is not present in population databases (gnomAD no frequency). This variant has not been reported in the literature in individuals affected with CTNNB1-related conditions. Variants that disrupt the consensus splice site are a relatively common cause of aberrant splicing (PMID: 17576681, 9536098). Algorithms developed to predict the effect of sequence changes on RNA splicing suggest that this variant may disrupt the consensus splice site.

Literature cited by the submitters: PubMed 17576681; PubMed 9536098.